The following is an entry in ClinVar:

ClinVar aggregate classification (germline): Conflicting classifications of pathogenicity. Review status: criteria provided, conflicting classifications (1 of 4 stars). 4 submissions from 4 submitters: Uncertain significance (1); Benign (1); Likely benign (2). Last evaluated 2025-11-23.

Conditions:
Mendelian susceptibility to mycobacterial diseases due to partial STAT1 deficiency. Also called: IMMUNODEFICIENCY 31A, MYCOBACTERIOSIS, AUTOSOMAL DOMINANT; STAT1 DEFICIENCY, AUTOSOMAL DOMINANT; Immunodeficiency 31a. Identifiers: Orphanet 319595, MedGen C4013950, MONDO:0013956, OMIM 614892.
Immunodeficiency 31B. Also called: IMMUNODEFICIENCY 31B, MYCOBACTERIAL AND VIRAL INFECTIONS, AUTOSOMAL RECESSIVE; STAT1 DEFICIENCY, AUTOSOMAL RECESSIVE. Identifiers: Orphanet 391311, MedGen C3151088, MONDO:0013427, OMIM 613796.
Autoimmune enteropathy and endocrinopathy - susceptibility to chronic infections syndrome. Also called: Immunodeficiency 31C, autosomal dominant; Immunodeficiency 31C. Identifiers: Orphanet 391487, MedGen C3279990, MONDO:0013599, OMIM 614162.

Allele frequency attached by ClinVar (database versions not stated): gnomAD exomes 0.00013; gnomAD 0.00014; TOPMed 0.00027; 1000 Genomes Project 0.00100.

Submissions (4):

Labcorp Genetics (formerly Invitae), Labcorp
Classification: Uncertain significance for Mendelian susceptibility to mycobacterial diseases due to partial STAT1 deficiency; Immunodeficiency 31B; Autoimmune enteropathy and endocrinopathy - susceptibility to chronic infections syndrome. Last evaluated: 2025-11-23. Review status: criteria provided, single submitter. Criteria: Invitae Variant Classification Sherloc (09022015). Collection method: clinical testing. Allele origin: germline.
Comment: This sequence change falls in intron 19 of the STAT1 gene. It does not directly change the encoded amino acid sequence of the STAT1 protein. It affects a nucleotide within the consensus splice site. This variant is present in population databases (rs185216067, gnomAD 0.05%). This variant has been observed in individual(s) with autoimmune encephalitis (PMID: 35960392). ClinVar contains an entry for this variant (Variation ID: 333271). Variants that disrupt the consensus splice site are a relatively common cause of aberrant splicing (PMID: 17576681, 9536098). Algorithms developed to predict the effect of sequence changes on RNA splicing suggest that this variant is not likely to affect RNA splicing. In summary, the available evidence is currently insufficient to determine the role of this variant in disease. Therefore, it has been classified as a Variant of Uncertain Significance.

Blueprint Genetics
Classification: Likely benign. Last evaluated: 2024-09-20. Review status: criteria provided, single submitter. Criteria: ACMG Guidelines, 2015. Collection method: clinical testing. Allele origin: germline.

CeGaT Center for Human Genetics Tuebingen
Classification: Likely benign. Last evaluated: 2023-10-01. Review status: criteria provided, single submitter. Criteria: CeGaT Center For Human Genetics Tuebingen Variant Classification Criteria Version 2. Collection method: clinical testing. Allele origin: germline. Affected: yes. Observed: 1 variant allele.
Comment: STAT1: BP4

Illumina Laboratory Services, Illumina
Classification: Benign for Mendelian susceptibility to mycobacterial diseases due to partial STAT1 deficiency. Last evaluated: 2018-01-13. Review status: criteria provided, single submitter. Criteria: ICSL Variant Classification Criteria 13 December 2019. Collection method: clinical testing. Allele origin: germline.
Comment: This variant was observed in the ICSL laboratory as part of a predisposition screen in an ostensibly healthy population. It had not been previously curated by ICSL or reported in the Human Gene Mutation Database (HGMD: prior to June 1st, 2018), and was therefore a candidate for classification through an automated scoring system. Utilizing variant allele frequency, disease prevalence and penetrance estimates, and inheritance mode, an automated score was calculated to assess if this variant is too frequent to cause the disease. Based on the score and internal cut-off values, a variant classified as benign is not then subjected to further curation. The score for this variant resulted in a classification of benign for this disease.

Literature cited by the submitters: PubMed 35960392 (cited by Labcorp Genetics (formerly Invitae), Labcorp); PubMed 17576681 (cited by Labcorp Genetics (formerly Invitae), Labcorp); PubMed 9536098 (cited by Labcorp Genetics (formerly Invitae), Labcorp).

NM_007315.4(STAT1):c.1632+6G>A

Gene: STAT1 (signal transducer and activator of transcription 1; minus strand). Cytogenetic location: 2q32.2.
Variant type: single nucleotide variant.
Coding change: c.1632+6G>A on transcript NM_007315.4 (MANE Select); 6 bases into the intron after coding-DNA position 1632, G replaced by A.
Molecular consequence: intron variant.
Genome position (GRCh38, 1-based): chr2:190,980,614, C>T on the plus strand (G>A on the coding strand, the complement: STAT1 is on the minus strand). VCF-style: chr2-190980614-C-T. GRCh37 (hg19) VCF-style: chr2-191845340-C-T.
Other names: c.1542+6G>A (NM_001384890.1); c.1533+6G>A (NM_001384883.1); c.1473+6G>A (NM_001384885.1); c.1539+6G>A (NM_001384887.1); c.1572+6G>A (NM_001384880.1); c.1602+6G>A (NM_001384888.1); c.1626+6G>A (NM_001384882.1); c.1632+6G>A (NM_001384889.1, NM_001384886.1, NM_139266.3); and 2 more.
Identifiers: ClinVar variation 333271 (VCV000333271.38), dbSNP rs185216067, ClinGen allele CA2029873.